The following is an entry in ClinVar:

NM_001134363.3(RBM20):c.2504AAG[1] (p.Glu836del)

Gene: RBM20 (RNA binding motif protein 20; plus strand). Cytogenetic location: 10q25.2.
Variant type: Microsatellite.
Coding change: c.2504AAG[1] on transcript NM_001134363.3 (MANE Select); one copy of the 3-base unit AAG starting at c.2504; the reference has two copies in a row; one copy, 3 bases deleted.
Protein change: p.Glu836del; deletes glutamic acid 836.
Molecular consequence: inframe deletion.
Genome position (GRCh38, 1-based): chr10:110,812,904-110,812,906, AAG deleted; deleting any 3 consecutive bases within chr10:110,812,901-110,812,906 gives the same sequence; the position shown is the placement nearest the transcript's 3' end. VCF-style (leftmost placement, unchanged base first): chr10-110812900-CAAG-C. GRCh37 (hg19) VCF-style: chr10-112572658-CAAG-C.
Other names: short protein forms E836del.
Identifiers: ClinVar variation 519176 (VCV000519176.9), dbSNP rs1554842819, ClinGen allele CA658797540.

ClinVar aggregate classification (germline): Uncertain significance. Review status: criteria provided, multiple submitters, no conflicts (2 of 4 stars). 2 submissions from 2 submitters: Uncertain significance (2). Last evaluated 2025-10-01.

Conditions:
Cardiovascular phenotype. Identifiers: MedGen CN230736.
Dilated cardiomyopathy 1DD (CMD1DD). Identifiers: Orphanet 154, MedGen C2750995, MONDO:0013168, OMIM 613172.

Submissions (2):

Labcorp Genetics (formerly Invitae), Labcorp
Classification: Uncertain significance for Dilated cardiomyopathy 1DD. Last evaluated: 2025-10-01. Review status: criteria provided, single submitter. Criteria: Invitae Variant Classification Sherloc (09022015). Collection method: clinical testing. Allele origin: germline.
Comment: This variant, c.2507_2509del, results in the deletion of 1 amino acid(s) of the RBM20 protein (p.Glu836del), but otherwise preserves the integrity of the reading frame. This variant is not present in population databases (gnomAD no frequency). This variant has not been reported in the literature in individuals affected with RBM20-related conditions. In summary, the available evidence is currently insufficient to determine the role of this variant in disease. Therefore, it has been classified as a Variant of Uncertain Significance.

Ambry Genetics
Classification: Uncertain significance for Cardiovascular phenotype. Last evaluated: 2023-04-18. Review status: criteria provided, single submitter. Criteria: Ambry Variant Classification Scheme 2023. Collection method: clinical testing. Allele origin: germline.
Comment: The c.2507_2509delAAG variant (also known as p.E836del) is located in coding exon 9 of the RBM20 gene. This variant results from an in-frame AAG deletion at nucleotide positions 2507 to 2509. This results in the in-frame deletion of a glutamic acid at codon 836. This amino acid position is not well conserved in available vertebrate species. In addition, the in silico prediction for this alteration is inconclusive (Choi Y et al. PLoS ONE. 2012; 7(10):e46688). Since supporting evidence is limited at this time, the clinical significance of this alteration remains unclear.